The following is an entry in ClinVar:

NM_003073.5(SMARCB1):c.883C>G (p.Leu295Val)

Gene: SMARCB1 (SWI/SNF related BAF chromatin remodeling complex subunit B1; plus strand). Cytogenetic location: 22q11.23.
Variant type: single nucleotide variant.
Coding change: c.883C>G on transcript NM_003073.5 (MANE Select); coding-DNA position 883, C replaced by G.
Protein change: p.Leu295Val; replaces leucine 295 with valine.
Molecular consequence: missense variant.
Genome position (GRCh38, 1-based): chr22:23,825,312, C>G. VCF-style: chr22-23825312-C-G. GRCh37 (hg19) VCF-style: chr22-24167499-C-G.
Other names: c.856C>G, p.Leu286Val (NM_001007468.3); c.910C>G, p.Leu304Val (NM_001317946.2); c.937C>G, p.Leu313Val (NM_001362877.2); short protein forms L313V, L286V, L295V, L304V.
Identifiers: ClinVar variation 2101410 (VCV002101410.4), dbSNP rs2146026888, ClinGen allele CA410907307.

ClinVar aggregate classification (germline): Uncertain significance (1 of 4 stars; one submission).

Submission:

Labcorp Genetics (formerly Invitae), Labcorp
Classification: Uncertain significance. Last evaluated: 2022-02-22. Review status: criteria provided, single submitter. Criteria: Invitae Variant Classification Sherloc (09022015). Collection method: clinical testing. Allele origin: germline.
Comment: In summary, the available evidence is currently insufficient to determine the role of this variant in disease. Therefore, it has been classified as a Variant of Uncertain Significance. Algorithms developed to predict the effect of missense changes on protein structure and function (SIFT, PolyPhen-2, Align-GVGD) all suggest that this variant is likely to be tolerated. This variant has not been reported in the literature in individuals affected with SMARCB1-related conditions. This variant is not present in population databases (gnomAD no frequency). This sequence change replaces leucine, which is neutral and non-polar, with valine, which is neutral and non-polar, at codon 295 of the SMARCB1 protein (p.Leu295Val).